The following is an entry in ClinVar:

ClinVar aggregate classification (germline): Uncertain significance (1 of 4 stars; one submission).

Conditions:
Nephronophthisis. Also called: Juvenile Nephronophthisis. Identifiers: Orphanet 655, MedGen C0687120, MONDO:0019005, HP:0000090.

Allele frequency attached by ClinVar (database versions not stated): gnomAD exomes 0.00001.
gnomAD v4.1: 4 of 1,604,988 alleles (0.00025%); highest among the groups gnomAD compares: Non-Finnish European, 0.00034%; no homozygotes.

Submission:

Labcorp Genetics (formerly Invitae), Labcorp
Classification: Uncertain significance for Nephronophthisis. Last evaluated: 2021-02-17. Review status: criteria provided, single submitter. Criteria: Invitae Variant Classification Sherloc (09022015). Collection method: clinical testing. Allele origin: germline.
Comment: In summary, the available evidence is currently insufficient to determine the role of this variant in disease. Therefore, it has been classified as a Variant of Uncertain Significance. Algorithms developed to predict the effect of missense changes on protein structure and function output the following: SIFT: "Tolerated"; PolyPhen-2: "Benign"; Align-GVGD: "Class C0". The aspartic acid amino acid residue is found in multiple mammalian species, suggesting that this missense change does not adversely affect protein function. These predictions have not been confirmed by published functional studies and their clinical significance is uncertain. This variant has not been reported in the literature in individuals with NPHP1-related conditions. This variant is not present in population databases (ExAC no frequency). This sequence change replaces glycine with aspartic acid at codon 130 of the NPHP1 protein (p.Gly130Asp). The glycine residue is moderately conserved and there is a moderate physicochemical difference between glycine and aspartic acid.

NM_001128178.3(NPHP1):c.389G>A (p.Gly130Asp)

Gene: NPHP1 (nephrocystin 1; minus strand). Cytogenetic location: 2q13.
Variant type: single nucleotide variant.
Coding change: c.389G>A on transcript NM_001128178.3 (MANE Select); coding-DNA position 389, G replaced by A.
Protein change: p.Gly130Asp; replaces glycine 130 with aspartic acid.
Molecular consequence: missense variant.
Genome position (GRCh38, 1-based): chr2:110,169,939, C>T on the plus strand (G>A on the coding strand, the complement: NPHP1 is on the minus strand). VCF-style: chr2-110169939-C-T. GRCh37 (hg19) VCF-style: chr2-110927516-C-T.
Other names: c.389G>A, p.Gly130Asp (NM_000272.5, NM_001374256.1, NM_001374257.1 and 1 more transcripts); c.203G>A, p.Gly68Asp (NM_001128179.3); short protein forms G68D, G130D.
Identifiers: ClinVar variation 1420843 (VCV001420843.8), dbSNP rs2104578629, ClinGen allele CA348093080.